The following is an entry in ClinVar:

ClinVar aggregate classification (germline): Uncertain significance. Review status: criteria provided, multiple submitters, no conflicts (2 of 4 stars). 2 submissions from 2 submitters: Uncertain significance (2). Last evaluated 2024-01-23.

Conditions:
Sulfite oxidase deficiency due to molybdenum cofactor deficiency type A. Also called: Molybdenum cofactor deficiency, complementation group A; Molybdenum Cofactor Deficiency A. Identifiers: Orphanet 308386, Orphanet 833, MedGen C1854988, MONDO:0009643, OMIM 252150.

Allele frequency attached by ClinVar (database versions not stated): gnomAD exomes 0.00001 and 0.00002; ExAC 0.00004; gnomAD 0.00004; TOPMed 0.00005; 1000 Genomes Project 30x 0.00016; 1000 Genomes Project 0.00020.
gnomAD v4.1: 15 of 1,612,888 alleles (0.00093%); highest among the groups gnomAD compares: African/African-American, 0.02%; no homozygotes.

Submissions (2):

Fulgent Genetics
Classification: Uncertain significance for Sulfite oxidase deficiency due to molybdenum cofactor deficiency type A. Last evaluated: 2024-01-23. Review status: criteria provided, single submitter. Criteria: ACMG Guidelines, 2015. Collection method: clinical testing. Allele origin: germline.

Labcorp Genetics (formerly Invitae), Labcorp
Classification: Uncertain significance for Sulfite oxidase deficiency due to molybdenum cofactor deficiency type A. Last evaluated: 2022-10-13. Review status: criteria provided, single submitter. Criteria: Invitae Variant Classification Sherloc (09022015). Collection method: clinical testing. Allele origin: germline.
Comment: This sequence change replaces alanine, which is neutral and non-polar, with valine, which is neutral and non-polar, at codon 59 of the MOCS1 protein (p.Ala59Val). This variant is present in population databases (rs542659659, gnomAD 0.03%). This variant has not been reported in the literature in individuals affected with MOCS1-related conditions. ClinVar contains an entry for this variant (Variation ID: 1039057). Algorithms developed to predict the effect of missense changes on protein structure and function (SIFT, PolyPhen-2, Align-GVGD) all suggest that this variant is likely to be tolerated. In summary, the available evidence is currently insufficient to determine the role of this variant in disease. Therefore, it has been classified as a Variant of Uncertain Significance.

NM_001358530.2(MOCS1):c.176C>T (p.Ala59Val)

Gene: MOCS1 (molybdenum cofactor synthesis 1; minus strand). Cytogenetic location: 6p21.2.
Variant type: single nucleotide variant.
Coding change: c.176C>T on transcript NM_001358530.2 (MANE Select); coding-DNA position 176, C replaced by T.
Protein change: p.Ala59Val; replaces alanine 59 with valine.
Molecular consequence: missense variant. On other transcripts: 5 prime UTR variant (1), intron variant (2).
Genome position (GRCh38, 1-based): chr6:39,927,403, G>A on the plus strand (C>T on the coding strand, the complement: MOCS1 is on the minus strand). VCF-style: chr6-39927403-G-A. GRCh37 (hg19) VCF-style: chr6-39895142-G-A.
Other names: c.176C>T, p.Ala59Val (NM_001075098.4, NM_001358529.2, NM_005943.6); c.-86C>T (NM_001358534.2); c.-11-1558C>T (NM_001358531.2, NM_001358533.2); c.176C>T (NM_005943.5); short protein forms A59V.
Identifiers: ClinVar variation 1039057 (VCV001039057.5), dbSNP rs542659659, ClinGen allele CA3796415.